The following is an entry in ClinVar:

ClinVar aggregate classification (germline): Uncertain significance (1 of 4 stars; one submission).

Submission:

Dasa
Classification: Uncertain significance. Last evaluated: 2025-08-06. Review status: criteria provided, single submitter. Criteria: DASA Assertion Criteria. Collection method: clinical testing. Allele origin: germline.
Comment: NM_006536.7(CLCA2):c.475+2T>A affects a canonical splice site and is predicted to disrupt normal RNA splicing. This variant is rare in population databases. Computational prediction algorithms are consistent with a deleterious effect. The currently available literature and clinical evidence are not sufficient to establish a definitive association between this variant and the reported condition. Therefore, this variant is classified as a variant of uncertain significance.

NM_006536.7(CLCA2):c.475+2T>A

Gene: CLCA2 (chloride channel accessory 2; plus strand). Cytogenetic location: 1p22.3.
Variant type: single nucleotide variant.
Coding change: c.475+2T>A on transcript NM_006536.7 (MANE Select); the canonical splice donor site of the intron after coding-DNA position 475, T replaced by A.
Molecular consequence: splice donor variant.
Genome position (GRCh38, 1-based): chr1:86,428,570, T>A. VCF-style: chr1-86428570-T-A. GRCh37 (hg19) VCF-style: chr1-86894253-T-A.
Identifiers: ClinVar variation 4881624 (VCV004881624.2).